The following is an entry in ClinVar:

ClinVar aggregate classification (germline): Likely benign (0 of 4 stars; one submission).

Conditions:
WNT7A-related disorder. Also called: WNT7A-related condition.

Allele frequency attached by ClinVar (database versions not stated): gnomAD 0.00002; ExAC 0.00005.
gnomAD v4.1: 36 of 1,614,026 alleles (0.0022%); highest among the groups gnomAD compares: African/African-American, 0.015%; no homozygotes.

Submission:

PreventionGenetics, part of Exact Sciences
Classification: Likely benign for WNT7A-related condition. Last evaluated: 2022-08-21. Review status: no assertion criteria provided. Collection method: clinical testing. Allele origin: germline.
Comment: This variant is classified as likely benign based on ACMG/AMP sequence variant interpretation guidelines (Richards et al. 2015 PMID: 25741868, with internal and published modifications).

NM_004625.4(WNT7A):c.432C>T (p.Asp144=)

Genes: WNT7A (Wnt family member 7A; minus strand), LOC126806608 (P300/CBP strongly-dependent group 1 enhancer GRCh37_chr3:13895244-13896443; plus strand). Cytogenetic location: 3p25.1.
Variant type: single nucleotide variant.
Coding change: c.432C>T on transcript NM_004625.4 (MANE Select); coding-DNA position 432, C replaced by T.
Protein change: p.Asp144=; no amino-acid change (aspartic acid 144 retained).
Molecular consequence: synonymous variant.
Genome position (GRCh38, 1-based): chr3:13,854,670, G>A on the plus strand (C>T on the coding strand, the complement: WNT7A is on the minus strand). VCF-style: chr3-13854670-G-A. GRCh37 (hg19) VCF-style: chr3-13896167-G-A.
Identifiers: ClinVar variation 3051389 (VCV003051389.2), dbSNP rs748092973, ClinGen allele CA2266442.